The following is an entry in ClinVar:

ClinVar aggregate classification (germline): Likely benign (1 of 4 stars; one submission).

Submission:

CeGaT Center for Human Genetics Tuebingen
Classification: Likely benign. Last evaluated: 2025-08-01. Review status: criteria provided, single submitter. Criteria: CeGaT Center For Human Genetics Tuebingen Variant Classification Criteria Version 2. Collection method: clinical testing. Allele origin: germline. Affected: yes. Observed: 1 variant allele.
Comment: HRAS: PM2:Supporting, BP4, BP7

NM_005343.4(HRAS):c.129G>A (p.Gln43=)

Genes: HRAS (HRas proto-oncogene, GTPase; minus strand), LRRC56 (leucine rich repeat containing 56; plus strand). Cytogenetic location: 11p15.5.
Variant type: single nucleotide variant.
Coding change: c.129G>A on transcript NM_005343.4 (MANE Select); coding-DNA position 129, G replaced by A.
Protein change: p.Gln43=; no amino-acid change (glutamine 43 retained).
Molecular consequence: synonymous variant. On other transcripts: intron variant (2), 5 prime UTR variant (1).
Genome position (GRCh38, 1-based): chr11:533,927, C>T on the plus strand (G>A on the coding strand, the complement: HRAS is on the minus strand). VCF-style: chr11-533927-C-T. GRCh37 (hg19) VCF-style: chr11-533927-C-T.
Other names: c.129G>A, p.Gln43= (NM_176795.5, NM_001130442.3); c.-162+5590C>T (NM_001441284.1, NM_001441286.1); c.-191G>A (NM_001318054.2).
Identifiers: ClinVar variation 4084253 (VCV004084253.8).